The following is an entry in ClinVar:

ClinVar aggregate classification (germline): Conflicting classifications of pathogenicity. Review status: criteria provided, conflicting classifications (1 of 4 stars). 4 submissions from 4 submitters: Likely pathogenic (3); Uncertain significance (1). Last evaluated 2025-03-05.

Conditions:
PEX11B-related disorder. Also called: PEX11B-related condition.
Peroxisome biogenesis disorder 14B (PEX14B). Identifiers: Orphanet 44, MedGen C3554055, MONDO:0013967, OMIM 614920.

Allele frequency attached by ClinVar (database versions not stated): gnomAD exomes 0.00001.
gnomAD v4.1: 13 of 1,541,456 alleles (0.00084%); highest among the groups gnomAD compares: South Asian, 0.0045%; no homozygotes.

Submissions (4):

Clinical Omics and Informatics (COIN) Unit, Neuroscience Institute, University Of Cape Town
Classification: Uncertain significance for Peroxisome biogenesis disorder 14B. Last evaluated: 2025-03-05. Review status: criteria provided, single submitter. Criteria: ACMG Guidelines, 2015. Collection method: research. Allele origin: germline. Inheritance: Autosomal recessive inheritance. Affected: yes. Observed: 1 variant allele, 1 homozygote.
Comment: The highest population allele frequency in gnomAD v4.0 is 0.00004463 (4/89620 alleles in the South Asian population) and there are no homozygous observations. PM3_Supporting: 0.5 points awarded for homozygous observation of variant in proband under assessment. PVS1 Met: GT-AG splice sites, exon skipping or use of a cryptic splice site disrupts reading frame and is predicted to undergo NMD, exon is present in biologically-relevant transcript(s). Loss of function is a known mechanism of disease (PMID:28129423,35624152). Sequencing funded by the International Centre for Genomic Medicine in Neuromuscular Diseases (ICGNMD).

Fulgent Genetics
Classification: Likely pathogenic for Peroxisome biogenesis disorder 14B. Last evaluated: 2024-03-20. Review status: criteria provided, single submitter. Criteria: ACMG Guidelines, 2015. Collection method: clinical testing. Allele origin: germline.

Labcorp Genetics (formerly Invitae), Labcorp
Classification: Likely pathogenic. Last evaluated: 2022-03-25. Review status: criteria provided, single submitter. Criteria: Invitae Variant Classification Sherloc (09022015). Collection method: clinical testing. Allele origin: germline.
Comment: This variant is present in population databases (no rsID available, gnomAD 0.006%). This sequence change affects a donor splice site in intron 2 of the PEX11B gene. It is expected to disrupt RNA splicing. Variants that disrupt the donor or acceptor splice site typically lead to a loss of protein function (PMID: 16199547), and loss-of-function variants in PEX11B are known to be pathogenic (PMID: 22581968, 26233629, 28129423). This variant has not been reported in the literature in individuals affected with PEX11B-related conditions. In summary, the currently available evidence indicates that the variant is pathogenic, but additional data are needed to prove that conclusively. Therefore, this variant has been classified as Likely Pathogenic. Algorithms developed to predict the effect of sequence changes on RNA splicing suggest that this variant may disrupt the consensus splice site.

Blueprint Genetics
Classification: Likely pathogenic for PEX11B-related disorders. Last evaluated: 2021-03-10. Review status: criteria provided, single submitter. Criteria: ACMG Guidelines, 2015. Collection method: clinical testing. Allele origin: germline. Affected: yes. Observed: 2 variant alleles.

Literature cited by the submitters: PubMed 28129423 (cited by Clinical Omics and Informatics (COIN) Unit, Neuroscience Institute, University Of Cape Town and Labcorp Genetics (formerly Invitae), Labcorp); PubMed 35624152 (cited by Clinical Omics and Informatics (COIN) Unit, Neuroscience Institute, University Of Cape Town); PubMed 16199547 (cited by Labcorp Genetics (formerly Invitae), Labcorp); PubMed 22581968 (cited by Labcorp Genetics (formerly Invitae), Labcorp); PubMed 26233629 (cited by Labcorp Genetics (formerly Invitae), Labcorp).

NM_003846.3(PEX11B):c.172+1G>A

Gene: PEX11B (peroxisomal biogenesis factor 11 beta; minus strand). Cytogenetic location: 1q21.1.
Variant type: single nucleotide variant.
Coding change: c.172+1G>A on transcript NM_003846.3 (MANE Select); the canonical splice donor site of the intron after coding-DNA position 172, G replaced by A.
Molecular consequence: splice donor variant.
Genome position (GRCh38, 1-based): chr1:145,917,700, C>T on the plus strand (G>A on the coding strand, the complement: PEX11B is on the minus strand). VCF-style: chr1-145917700-C-T. GRCh37 (hg19) VCF-style: chr1-145517389-G-A.
Other names: c.130+1G>A (NM_001184795.1).
Identifiers: ClinVar variation 2116641 (VCV002116641.7), dbSNP rs1036892634, ClinGen allele CA29817054.